The following is an entry in ClinVar:

ClinVar aggregate classification (germline): Uncertain significance (1 of 4 stars; one submission).

Conditions:
Cardiomyopathy (CMYO). Also called: Cardiomyopathies. Identifiers: Orphanet 167848, MedGen C0878544, MONDO:0004994, HP:0001638. Inheritance: Various modes of inheritance.

Submission:

Color Diagnostics, LLC DBA Color Health
Classification: Uncertain significance for Cardiomyopathy. Last evaluated: 2024-03-06. Review status: criteria provided, single submitter. Criteria: ACMG Guidelines, 2015. Collection method: clinical testing. Allele origin: germline.
Comment: This missense variant replaces serine with glycine at codon 532 of the DSC2 protein. Computational prediction suggests that this variant may not impact protein structure and function (internally defined REVEL score threshold <= 0.5, PMID: 27666373). To our knowledge, functional studies have not been reported for this variant. This variant has not been reported in individuals affected with cardiovascular disorders in the literature. This variant has not been identified in the general population by the Genome Aggregation Database (gnomAD). The available evidence is insufficient to determine the role of this variant in disease conclusively. Therefore, this variant is classified as a Variant of Uncertain Significance.

NM_024422.6(DSC2):c.1594A>G (p.Ser532Gly)

Gene: DSC2 (desmocollin 2; minus strand). Cytogenetic location: 18q12.1.
Variant type: single nucleotide variant.
Coding change: c.1594A>G on transcript NM_024422.6 (MANE Select); coding-DNA position 1594, A replaced by G.
Protein change: p.Ser532Gly; replaces serine 532 with glycine.
Molecular consequence: missense variant.
Genome position (GRCh38, 1-based): chr18:31,079,916, T>C on the plus strand (A>G on the coding strand, the complement: DSC2 is on the minus strand). VCF-style: chr18-31079916-T-C. GRCh37 (hg19) VCF-style: chr18-28659882-T-C.
Other names: c.1594A>G, p.Ser532Gly (NM_004949.5); short protein forms S532G.
Identifiers: ClinVar variation 1332231 (VCV001332231.3), dbSNP rs2144812707, ClinGen allele CA402107986.